The following is an entry in ClinVar:

ClinVar aggregate classification (germline): Uncertain significance (1 of 4 stars; one submission).

Conditions:
Cognitive impairment with or without cerebellar ataxia (CIAT). Identifiers: MedGen C3280415, MONDO:0013680, OMIM 614306.
Seizures, benign familial infantile, 5 (BFIS5). Also called: CONVULSIONS, BENIGN FAMILIAL INFANTILE, 5. Identifiers: Orphanet 306, MedGen C4310728, MONDO:0014903, OMIM 617080.
Developmental and epileptic encephalopathy, 13 (DEE13). Also called: Developmental and Epileptic Encephalopathy (SCN8A-DEE); Early infantile epileptic encephalopathy 13; SCN8A-Related Epilepsy. Identifiers: Orphanet 442835, MedGen C3281191, MONDO:0013801, OMIM 614558.
Myoclonus, familial, 2. Identifiers: MedGen C5193056, MONDO:0100092, OMIM 618364.

Allele frequency attached by ClinVar (database versions not stated): gnomAD exomes below 0.00001.
gnomAD v4.1: 1 of 1,613,940 alleles (0.000062%); highest among the groups gnomAD compares: Non-Finnish European, 0.000085%; no homozygotes.

Submission:

Center for Genomics, Ann and Robert H. Lurie Children's Hospital of Chicago
Classification: Uncertain significance for Myoclonus, familial, 2; Seizures, benign familial infantile, 5; Cognitive impairment with or without cerebellar ataxia; Developmental and epileptic encephalopathy, 13. Review status: criteria provided, single submitter. Criteria: ACMG Guidelines, 2015. Collection method: clinical testing. Allele origin: germline.
Comment: SCN8A NM_014191.3 exon 27 p.Gly1914Ser (c.5740G>A): This variant has not been reported in the literature and is not present in large control databases. Evolutionary conservation and computational predictive tools for this variant are unclear. In summary, data on this variant is insufficient for disease classification. Therefore, the clinical significance of this variant is uncertain.

NM_001330260.2(SCN8A):c.5740G>A (p.Gly1914Ser)

Gene: SCN8A (sodium voltage-gated channel alpha subunit 8; plus strand). Cytogenetic location: 12q13.13.
Variant type: single nucleotide variant.
Coding change: c.5740G>A on transcript NM_001330260.2 (MANE Select); coding-DNA position 5740, G replaced by A.
Protein change: p.Gly1914Ser; replaces glycine 1914 with serine.
Molecular consequence: missense variant.
Genome position (GRCh38, 1-based): chr12:51,807,226, G>A. VCF-style: chr12-51807226-G-A. GRCh37 (hg19) VCF-style: chr12-52201010-G-A.
Other names: c.5617G>A, p.Gly1873Ser (NM_001177984.3, NM_001369788.1); c.5740G>A, p.Gly1914Ser (NM_014191.4); short protein forms G1873S, G1914S.
Identifiers: ClinVar variation 2500085 (VCV002500085.2), dbSNP rs2138944580, ClinGen allele CA384889034.